The following is an entry in ClinVar:

NM_001374828.1(ARID1B):c.679_690del (p.Gly227_Ala230del)

Genes: ARID1B (AT-rich interaction domain 1B; plus strand), LOC115308161 (uncharacterized LOC115308161; minus strand). Cytogenetic location: 6q25.3.
Variant type: Deletion.
Coding change: c.679_690del on transcript NM_001374828.1 (MANE Select); coding-DNA positions 679 to 690, 12 bases deleted (GGCGGCGGCGCG).
Protein change: p.Gly227_Ala230del.
Molecular consequence: inframe deletion. On other transcripts: non-coding transcript variant (1).
Genome position (GRCh38, 1-based): chr6:156,778,359-156,778,370, GGCGGCGGCGCG deleted; deleting any 12 consecutive bases within chr6:156,778,350-156,778,370 gives the same sequence; the c. name uses the placement nearest the transcript's 3' end. VCF-style (leftmost placement, unchanged base first): chr6-156778349-GGGCGGCGCGGGC-G. GRCh37 (hg19) VCF-style: chr6-157099483-GGGCGGCGCGGGC-G.
Other names: c.430_441del12 (NM_020732.3); c.679_690del, p.Gly227_Ala230del (NM_001371656.1, NM_001374820.1, NM_017519.3).
Identifiers: ClinVar variation 1969013 (VCV001969013.8), dbSNP rs761104507, ClinGen allele CA4066679.

ClinVar aggregate classification (germline): Likely benign. Review status: criteria provided, multiple submitters, no conflicts (2 of 4 stars). 3 submissions from 3 submitters: Likely benign (2). 1 of the submissions does not count toward it. Last evaluated 2024-09-27.

Conditions:
ARID1B-Related Disorder. Identifiers: MedGen CN381337.

Submissions (3):

Labcorp Genetics (formerly Invitae), Labcorp
Classification: Likely benign. Last evaluated: 2024-09-27. Review status: criteria provided, single submitter. Criteria: Invitae Variant Classification Sherloc (09022015). Collection method: clinical testing. Allele origin: germline.

Blueprint Genetics
Classification: Likely benign. Last evaluated: 2022-12-12. Review status: criteria provided, single submitter. Criteria: ACMG Guidelines, 2015. Collection method: clinical testing. Allele origin: germline.

PreventionGenetics, part of Exact Sciences
Classification: Uncertain significance for ARID1B-related condition. Last evaluated: 2024-02-01. Review status: no assertion criteria provided. Collection method: clinical testing. Allele origin: germline. Not counted in ClinVar's aggregate classification.
Comment: The ARID1B c.430_441del12 variant is predicted to result in an in-frame deletion (p.Gly144_Ala147del). To our knowledge, this variant has not been reported in the literature. This variant is reported in 0.18% of alleles in individuals of South Asian descent in gnomAD. Although we suspect that this variant may be benign, at this time, the clinical significance of this variant is uncertain due to the absence of conclusive functional and genetic evidence.